The following is an entry in ClinVar:

NM_020750.3(XPO5):c.2668C>T (p.Pro890Ser)

Genes: POLR1C (RNA polymerase I and III subunit C; plus strand), XPO5 (exportin 5; minus strand). Cytogenetic location: 6p21.1.
Variant type: single nucleotide variant.
Coding change: c.2668C>T on transcript NM_020750.3 (MANE Select); coding-DNA position 2668, C replaced by T.
Protein change: p.Pro890Ser; replaces proline 890 with serine.
Molecular consequence: missense variant. On other transcripts: non-coding transcript variant (1), intron variant (1).
Genome position (GRCh38, 1-based): chr6:43,530,697, G>A on the plus strand (C>T on the coding strand, the complement: XPO5 is on the minus strand). VCF-style: chr6-43530697-G-A. GRCh37 (hg19) VCF-style: chr6-43498435-G-A.
Other names: c.922+9649G>A (NM_001363658.2); short protein forms P890S.
Identifiers: ClinVar variation 2417310 (VCV002417310.42), dbSNP rs2482974207, ClinGen allele CA364291953.

ClinVar aggregate classification (germline): Uncertain significance (1 of 4 stars; one submission).

Submission:

Labcorp Genetics (formerly Invitae), Labcorp
Classification: Uncertain significance. Last evaluated: 2022-12-06. Review status: criteria provided, single submitter. Criteria: Invitae Variant Classification Sherloc (09022015). Collection method: clinical testing. Allele origin: germline.
Comment: This sequence change replaces proline, which is neutral and non-polar, with serine, which is neutral and polar, at codon 890 of the XPO5 protein (p.Pro890Ser). In summary, the available evidence is currently insufficient to determine the role of this variant in disease. Therefore, it has been classified as a Variant of Uncertain Significance. Algorithms developed to predict the effect of missense changes on protein structure and function output the following: SIFT: "Tolerated"; PolyPhen-2: "Benign"; Align-GVGD: "Class C0". The serine amino acid residue is found in multiple mammalian species, which suggests that this missense change does not adversely affect protein function. This variant has not been reported in the literature in individuals affected with XPO5-related conditions. This variant is not present in population databases (gnomAD no frequency).